The following is an entry in ClinVar:

NM_000481.4(AMT):c.982del (p.Ala328fs)

Gene: AMT (aminomethyltransferase; minus strand). Cytogenetic location: 3p21.31.
Variant type: Deletion.
Coding change: c.982del on transcript NM_000481.4 (MANE Select); coding-DNA position 982, one base deleted (G; older notation c.982delG).
Protein change: p.Ala328fs; shifts the reading frame from alanine 328.
Molecular consequence: frameshift variant. On other transcripts: non-coding transcript variant (1).
Genome position (GRCh38, 1-based): chr3:49,417,869, C deleted on the plus strand (G on the coding strand, the reverse complement: AMT is on the minus strand); the first of 5 consecutive C bases (chr3:49,417,869-49,417,873); deleting any one gives the same sequence. VCF-style (leftmost placement, unchanged base first): chr3-49417868-GC-G. GRCh37 (hg19) VCF-style: chr3-49455301-GC-G.
Other names: c.850del, p.Ala284fs (NM_001164710.2); c.814del, p.Ala272fs (NM_001164711.2); c.982del, p.Ala328fs (NM_001164712.2); c.982delG (NM_000481.3); short protein forms A272fs, A284fs, A328fs.
Identifiers: ClinVar variation 557221 (VCV000557221.7), dbSNP rs1553638266, ClinGen allele CA658823333.

ClinVar aggregate classification (germline): Pathogenic. Review status: criteria provided, single submitter (1 of 4 stars). 2 submissions from 2 submitters: Pathogenic (1). 1 of the submissions does not count toward it. Last evaluated 2022-09-07.

Conditions:
Glycine encephalopathy. Also called: Non-ketotic hyperglycinemia; Nonketotic hyperglycinemia. Identifiers: Orphanet 407, MedGen C0751748, MONDO:0011612, HP:0008288.
Glycine encephalopathy 1 (GCE1). Identifiers: MedGen CN376801, MONDO:0958179, OMIM 605899.

Submissions (2):

Labcorp Genetics (formerly Invitae), Labcorp
Classification: Pathogenic for Glycine encephalopathy. Last evaluated: 2022-09-07. Review status: criteria provided, single submitter. Criteria: Invitae Variant Classification Sherloc (09022015). Collection method: clinical testing. Allele origin: germline.
Comment: This sequence change creates a premature translational stop signal (p.Ala328Profs*10) in the AMT gene. While this is not anticipated to result in nonsense mediated decay, it is expected to disrupt the last 76 amino acid(s) of the AMT protein. This variant is not present in population databases (gnomAD no frequency). This premature translational stop signal has been observed in individual(s) with glycine encephalopathy (PMID: 25231368). ClinVar contains an entry for this variant (Variation ID: 557221). This variant disrupts a region of the AMT protein in which other variant(s) (p.Tyr369*) have been determined to be pathogenic (PMID: 27362913). This suggests that this is a clinically significant region of the protein, and that variants that disrupt it are likely to be disease-causing. For these reasons, this variant has been classified as Pathogenic.

Counsyl
Classification: Likely pathogenic for Glycine encephalopathy 1. Last evaluated: 2018-03-14. Review status: no assertion criteria provided. Collection method: clinical testing. Allele origin: unknown. Not counted in ClinVar's aggregate classification.

Literature cited by the submitters: PubMed 25231368 (cited by Labcorp Genetics (formerly Invitae), Labcorp and Counsyl); PubMed 27362913 (cited by Labcorp Genetics (formerly Invitae), Labcorp).